The following is an entry in ClinVar:

NM_007294.4(BRCA1):c.3901_3902del (p.Cys1300_Ser1301insTer)

Genes: BRCA1 (BRCA1 DNA repair associated; minus strand), LOC126862571 (BRD4-independent group 4 enhancer GRCh37_chr17:41243136-41244335; plus strand). Cytogenetic location: 17q21.31.
Variant type: Deletion.
Coding change: c.3901_3902del on transcript NM_007294.4 (MANE Select); coding-DNA positions 3901 to 3902, 2 bases deleted (AG; older notation c.3901_3902delAG).
Protein change: p.Cys1300_Ser1301insTer.
Molecular consequence: nonsense. On other transcripts: intron variant (135).
Genome position (GRCh38, 1-based): chr17:43,091,629-43,091,630, CT deleted on the plus strand (AG on the coding strand, the reverse complement: BRCA1 is on the minus strand). VCF-style (leftmost placement, unchanged base first): chr17-43091628-ACT-A. GRCh37 (hg19) VCF-style: chr17-41243645-ACT-A.
Other names: 4020delAG; 4020DELAG; c.584-598_584-597del (NM_001408475.1); c.710-598_710-597del (NM_001408412.1, NM_001408409.1, NM_001408414.1 and 2 more transcripts); c.452-598_452-597del (NM_001408509.1, NM_001408508.1); c.575-598_575-597del (NM_001408491.1, NM_001408493.1, NM_001408490.1); c.461-598_461-597del (NM_001408506.1, NM_001408507.1); c.578-598_578-597del (NM_001408481.1, NM_001408480.1, NM_001408492.1 and 9 more transcripts); and 43 more.
Identifiers: ClinVar variation 55043 (VCV000055043.9), dbSNP rs80357646, ClinGen allele CA002510.

ClinVar aggregate classification (germline): Pathogenic. Review status: reviewed by expert panel (3 of 4 stars). 8 submissions from 8 submitters: Pathogenic (1). 7 of the submissions do not count toward it. Last evaluated 2016-09-08.

Conditions:
Hereditary cancer-predisposing syndrome. Also called: Hereditary Cancer Syndrome; Hereditary neoplastic syndrome; Neoplastic Syndromes, Hereditary; Tumor predisposition. Identifiers: Orphanet 140162, MedGen C0027672, MeSH D009386, MONDO:0015356.
Hereditary breast ovarian cancer syndrome. Also called: BRCA1- and BRCA2-Associated Hereditary Breast and Ovarian Cancer; Hereditary breast and ovarian cancer syndrome; Hereditary breast and ovarian cancer syndrome (HBOC); Breast and ovarian cancer; Hereditary breast and/or ovarian cancer syndrome; Hereditary breast and ovarian cancer. Identifiers: Orphanet 145, MedGen C0677776, MeSH D061325, MONDO:0003582. Disease mechanism: loss of function.
Breast-ovarian cancer, familial, susceptibility to, 1 (BROVCA1). Also called: BRCA1 Hereditary Breast and Ovarian Cancer; OVARIAN CANCER, SUSCEPTIBILITY TO. Identifiers: Orphanet 145, MedGen C2676676, MONDO:0011450, OMIM 604370. Disease mechanism: loss of function.

Submissions (8):

Evidence-based Network for the Interpretation of Germline Mutant Alleles (ENIGMA)
Classification: Pathogenic for Breast-ovarian cancer, familial, susceptibility to, 1. Last evaluated: 2016-09-08. Review status: reviewed by expert panel. Criteria: ENIGMA BRCA1/2 Classification Criteria (2015). Collection method: curation. Allele origin: germline.
Comment: Variant allele predicted to encode a truncated non-functional protein.

Ambry Genetics
Classification: Pathogenic for Hereditary cancer-predisposing syndrome. Last evaluated: 2021-04-21. Review status: criteria provided, single submitter. Criteria: Ambry Variant Classification Scheme 2023. Collection method: clinical testing. Allele origin: germline. Not counted in ClinVar's aggregate classification.
Comment: The c.3901_3902delAG pathogenic mutation, located in coding exon 9 of the BRCA1 gene, results from a deletion of two nucleotides at nucleotide positions 3901 to 3902, causing a translational frameshift with a predicted alternate stop codon (p.S1301*). This alteration has been identified in multiple individuals diagnosed with breast and/or ovarian cancer (Stoppa-Lyonnet D et al. Am J Hum Genet, 1997 May;60:1021-30; Barnes-Kedar I et al. Breast Cancer Res Treat, 2018 Nov;172:151-157). Additionally, this alteration was identified in a large, worldwide study of BRCA1/2 mutation positive families (Rebbeck TR et al. Hum Mutat, 2018 05;39:593-620). Of note, this alteration is also described in the literature as 4020delAG. In addition to the clinical data presented in the literature, this alteration is expected to result in loss of function by premature protein truncation or nonsense-mediated mRNA decay. As such, this alteration is interpreted as a disease-causing mutation.

Department of Molecular Diagnostics, Institute of Oncology Ljubljana
Classification: Pathogenic for Breast-ovarian cancer, familial, susceptibility to, 1. Last evaluated: 2020-04-02. Review status: criteria provided, single submitter. Criteria: ACMG Guidelines, 2015. Collection method: clinical testing. Allele origin: germline. Affected: yes. Not counted in ClinVar's aggregate classification.

Consortium of Investigators of Modifiers of BRCA1/2 (CIMBA), c/o University of Cambridge
Classification: Pathogenic for Breast-ovarian cancer, familial, susceptibility to, 1. Last evaluated: 2015-10-02. Review status: criteria provided, single submitter. Criteria: CIMBA Mutation Classification guidelines May 2016. Collection method: clinical testing. Allele origin: germline. Not counted in ClinVar's aggregate classification.

Quest Diagnostics Nichols Institute San Juan Capistrano
Classification: Pathogenic for Breast-ovarian cancer, familial, susceptibility to, 1. Last evaluated: 2015-05-29. Review status: criteria provided, single submitter. Criteria: Quest Diagnostics criteria. Collection method: clinical testing. Allele origin: germline. Inheritance: Autosomal dominant inheritance. Not counted in ClinVar's aggregate classification.

Research Molecular Genetics Laboratory, Women's College Hospital, University of Toronto
Classification: Pathogenic for Hereditary breast ovarian cancer syndrome. Last evaluated: 2014-01-31. Review status: no assertion criteria provided. Collection method: research. Allele origin: germline. Affected: yes. Study: The Canadian Open Genetics Repository (COGR). Not counted in ClinVar's aggregate classification.

Sharing Clinical Reports Project (SCRP)
Classification: Pathogenic for Breast-ovarian cancer, familial 1. Last evaluated: 2007-01-29. Review status: no assertion criteria provided. Collection method: clinical testing. Allele origin: germline. Not counted in ClinVar's aggregate classification.

Breast Cancer Information Core (BIC) (BRCA1)
Classification: Pathogenic for Breast-ovarian cancer, familial 1. Last evaluated: 1998-03-24. Review status: no assertion criteria provided. Collection method: clinical testing. Allele origin: germline. Affected: yes. Observed: 2 variant alleles. Not counted in ClinVar's aggregate classification.

Literature cited by the submitters: PubMed 29446198 (cited by Ambry Genetics); PubMed 30014164 (cited by Ambry Genetics); PubMed 9150149 (cited by Ambry Genetics and Quest Diagnostics Nichols Institute San Juan Capistrano); PubMed 26295337 (cited by Quest Diagnostics Nichols Institute San Juan Capistrano).